The following is an entry in ClinVar:

NM_001005388.3(NFASC):c.2917A>G (p.Thr973Ala)

Gene: NFASC (neurofascin; plus strand). Cytogenetic location: 1q32.1.
Variant type: single nucleotide variant.
Coding change: c.2917A>G on transcript NM_001005388.3 (MANE Select); coding-DNA position 2917, A replaced by G.
Protein change: p.Thr973Ala; replaces threonine 973 with alanine.
Molecular consequence: missense variant. On other transcripts: intron variant (4).
Genome position (GRCh38, 1-based): chr1:204,997,304, A>G. VCF-style: chr1-204997304-A-G. GRCh37 (hg19) VCF-style: chr1-204966432-A-G.
Other names: c.3238A>G, p.Thr1080Ala (NM_001378329.1); c.3091+5998A>G (NM_001160332.2); c.3076+8498A>G (NM_015090.4); c.2755+8498A>G (NM_001365986.1); c.3136+5998A>G (NM_001160331.2); c.2917A>G (NM_001005388.2); short protein forms T1080A, T973A.
Identifiers: ClinVar variation 1803370 (VCV001803370.2), dbSNP rs921065341, ClinGen allele CA36374505.

ClinVar aggregate classification (germline): Uncertain significance. Review status: criteria provided, multiple submitters, no conflicts (2 of 4 stars). 2 submissions from 2 submitters: Uncertain significance (2). Last evaluated 2025-05-29.

Conditions:
Inborn genetic diseases. Identifiers: MedGen C0950123, MeSH D030342.

Allele frequency attached by ClinVar (database versions not stated): gnomAD exomes below 0.00001; TOPMed below 0.00001.
gnomAD v4.1: 4 of 1,588,262 alleles (0.00025%); highest among the groups gnomAD compares: African/African-American, 0.0027%; no homozygotes.

Submissions (2):

Ambry Genetics
Classification: Uncertain significance for Inborn genetic diseases. Last evaluated: 2025-05-29. Review status: criteria provided, single submitter. Criteria: Ambry Variant Classification Scheme 2023. Collection method: clinical testing. Allele origin: germline.

GeneDx
Classification: Uncertain significance. Last evaluated: 2022-05-23. Review status: criteria provided, single submitter. Criteria: GeneDx Variant Classification Process June 2021. Collection method: clinical testing. Allele origin: germline. Affected: yes.
Comment: Not observed at significant frequency in large population cohorts (gnomAD); In silico analysis supports that this missense variant does not alter protein structure/function; Has not been previously published as pathogenic or benign to our knowledge